The following is an entry in ClinVar:

NM_018180.3(DHX32):c.76G>A (p.Asp26Asn)

Gene: DHX32 (DEAH-box helicase 32 (putative); minus strand). Cytogenetic location: 10q26.2.
Variant type: single nucleotide variant.
Coding change: c.76G>A on transcript NM_018180.3 (MANE Select); coding-DNA position 76, G replaced by A.
Protein change: p.Asp26Asn; replaces aspartic acid 26 with asparagine.
Molecular consequence: missense variant.
Genome position (GRCh38, 1-based): chr10:125,880,749, C>T on the plus strand (G>A on the coding strand, the complement: DHX32 is on the minus strand). VCF-style: chr10-125880749-C-T. GRCh37 (hg19) VCF-style: chr10-127569318-C-T.
Other names: c.76G>A (NM_018180.2); short protein forms D26N.
Identifiers: ClinVar variation 2085021 (VCV002085021.5), dbSNP rs773532934, ClinGen allele CA5739529.
Genomic context (GRCh38, chr10:125,880,749, plus strand): 5'-ATCCATCAAAGGGGTTAAGTTCCAAATCCTCACAGGCCAAAACCTCTTCCTCATCCCCAT[C>T]GCTGGAATCCAGGGATTCAGGAAAATAGCGTTTTTCAGAGGAAGAGTTTGGACACTCCAG-3'
Protein context (NP_060650.2, residues 16-36): RYFPESLDSS[Asp26Asn]GDEEEVLACE

ClinVar aggregate classification (germline): Uncertain significance. Review status: criteria provided, multiple submitters, no conflicts (2 of 4 stars). 2 submissions from 2 submitters: Uncertain significance (2). Last evaluated 2025-09-28.

Allele frequency attached by ClinVar (database versions not stated): gnomAD 0.00001; gnomAD exomes 0.00001; ExAC 0.00003; TOPMed 0.00003.
gnomAD v4.1: 20 of 1,614,058 alleles (0.0012%); highest among the groups gnomAD compares: Admixed American, 0.023%; no homozygotes.

Submissions (2):

Labcorp Genetics (formerly Invitae), Labcorp
Classification: Uncertain significance. Last evaluated: 2025-09-28. Review status: criteria provided, single submitter. Criteria: Invitae Variant Classification Sherloc (09022015). Collection method: clinical testing. Allele origin: germline.
Comment: This sequence change replaces aspartic acid, which is acidic and polar, with asparagine, which is neutral and polar, at codon 26 of the DHX32 protein (p.Asp26Asn). This variant is present in population databases (rs773532934, gnomAD 0.02%). This variant has not been reported in the literature in individuals affected with DHX32-related conditions. ClinVar contains an entry for this variant (Variation ID: 2085021). An algorithm developed to predict the effect of missense changes on protein structure and function outputs the following: PolyPhen-2: "Benign". The asparagine amino acid residue is found in multiple mammalian species, which suggests that this missense change does not adversely affect protein function. In summary, the available evidence is currently insufficient to determine the role of this variant in disease. Therefore, it has been classified as a Variant of Uncertain Significance.

Ambry Genetics
Classification: Uncertain significance. Last evaluated: 2024-09-30. Review status: criteria provided, single submitter. Criteria: Ambry Variant Classification Scheme 2023. Collection method: clinical testing. Allele origin: germline.